The following is an entry in ClinVar:

NM_001382391.1(CSPP1):c.3220+7A>G

Genes: ARFGEF1 (ARF guanine nucleotide exchange factor 1; minus strand), CSPP1 (centrosome and spindle pole associated protein 1; plus strand). Cytogenetic location: 8q13.2.
Variant type: single nucleotide variant.
Coding change: c.3220+7A>G on transcript NM_001382391.1 (MANE Select); 7 bases into the intron after coding-DNA position 3220, A replaced by G.
Molecular consequence: intron variant.
Genome position (GRCh38, 1-based): chr8:67,179,933, A>G. VCF-style: chr8-67179933-A-G. GRCh37 (hg19) VCF-style: chr8-68092168-A-G.
Other names: c.3025+7A>G (NM_001363132.2); c.3139+7A>G (NM_001363131.2); c.2944+7A>G (NM_001363133.2); c.3286+7A>G (NM_001364869.1); c.3205+7A>G (NM_024790.7, NM_001438331.1); c.3052+7A>G (NM_001438330.1); c.3106+7A>G (NM_001364870.1); c.2521+7A>G (NM_001438332.1); and 3 more.
Identifiers: ClinVar variation 2083903 (VCV002083903.4), dbSNP rs1215981831, ClinGen allele CA582506670.

ClinVar aggregate classification (germline): Uncertain significance (1 of 4 stars; one submission).

Conditions:
Joubert syndrome 21 (JBTS21). Identifiers: MedGen C3810212, MONDO:0014288, OMIM 615636.

Allele frequency attached by ClinVar (database versions not stated): gnomAD 0.00001.

Submission:

Labcorp Genetics (formerly Invitae), Labcorp
Classification: Uncertain significance for Joubert syndrome 21. Last evaluated: 2022-06-23. Review status: criteria provided, single submitter. Criteria: Invitae Variant Classification Sherloc (09022015). Collection method: clinical testing. Allele origin: germline.
Comment: In summary, the available evidence is currently insufficient to determine the role of this variant in disease. Therefore, it has been classified as a Variant of Uncertain Significance. Algorithms developed to predict the effect of sequence changes on RNA splicing suggest that this variant may disrupt the consensus splice site. This variant has not been reported in the literature in individuals affected with CSPP1-related conditions. This variant is present in population databases (no rsID available, gnomAD 0.007%). This sequence change falls in intron 26 of the CSPP1 gene. It does not directly change the encoded amino acid sequence of the CSPP1 protein.